The following is an entry in ClinVar:

NM_000094.4(COL7A1):c.5917G>A (p.Val1973Met)

Gene: COL7A1 (collagen type VII alpha 1 chain; minus strand). Cytogenetic location: 3p21.31.
Variant type: single nucleotide variant.
Coding change: c.5917G>A on transcript NM_000094.4 (MANE Select); coding-DNA position 5917, G replaced by A.
Protein change: p.Val1973Met; replaces valine 1973 with methionine.
Molecular consequence: missense variant.
Genome position (GRCh38, 1-based): chr3:48,575,688, C>T on the plus strand (G>A on the coding strand, the complement: COL7A1 is on the minus strand). VCF-style: chr3-48575688-C-T. GRCh37 (hg19) VCF-style: chr3-48613121-C-T.
Other names: short protein forms V1973M.
Identifiers: ClinVar variation 4699481 (VCV004699481.1).

ClinVar aggregate classification (germline): Uncertain significance (1 of 4 stars; one submission).

gnomAD v4.1: 2 of 1,613,686 alleles (0.00012%); highest among the groups gnomAD compares: South Asian, 0.0022%; no homozygotes.

Submission:

Labcorp Genetics (formerly Invitae), Labcorp
Classification: Uncertain significance. Last evaluated: 2025-02-10. Review status: criteria provided, single submitter. Criteria: Invitae Variant Classification Sherloc (09022015). Collection method: clinical testing. Allele origin: germline.
Comment: This sequence change replaces valine, which is neutral and non-polar, with methionine, which is neutral and non-polar, at codon 1973 of the COL7A1 protein (p.Val1973Met). This variant is not present in population databases (gnomAD no frequency). This variant has not been reported in the literature in individuals affected with COL7A1-related conditions. Invitae Evidence Modeling of protein sequence and biophysical properties (such as structural, functional, and spatial information, amino acid conservation, physicochemical variation, residue mobility, and thermodynamic stability) indicates that this missense variant is not expected to disrupt COL7A1 protein function with a negative predictive value of 95%. In summary, the available evidence is currently insufficient to determine the role of this variant in disease. Therefore, it has been classified as a Variant of Uncertain Significance.